The following is an entry in ClinVar:

ClinVar aggregate classification (germline): Pathogenic/Likely pathogenic. Review status: criteria provided, multiple submitters, no conflicts (2 of 4 stars). 2 submissions from 2 submitters: Pathogenic (1); Likely pathogenic (1). Last evaluated 2025-08-26.

Conditions:
Rare genetic deafness. Identifiers: Orphanet 96210, MedGen C5680250.

Submissions (2):

Labcorp Genetics (formerly Invitae), Labcorp
Classification: Pathogenic. Last evaluated: 2025-08-26. Review status: criteria provided, single submitter. Criteria: Invitae Variant Classification Sherloc (09022015). Collection method: clinical testing. Allele origin: germline.
Comment: This sequence change creates a premature translational stop signal (p.Gly280Valfs*9) in the OTOF gene. It is expected to result in an absent or disrupted protein product. Loss-of-function variants in OTOF are known to be pathogenic (PMID: 18381613, 19250381, 22575033). This variant is not present in population databases (gnomAD no frequency). This variant has not been reported in the literature in individuals affected with OTOF-related conditions. ClinVar contains an entry for this variant (Variation ID: 929941). For these reasons, this variant has been classified as Pathogenic.

Laboratory for Molecular Medicine, Mass General Brigham Personalized Medicine
Classification: Likely pathogenic for Rare genetic deafness. Last evaluated: 2019-03-20. Review status: criteria provided, single submitter. Criteria: LMM Criteria. Collection method: clinical testing. Allele origin: germline. Inheritance: Autosomal recessive inheritance. Observed: 1 variant allele.
Comment: The p.Gly280ValfsX9 variant in OTOF has not been previously reported in individuals with hearing loss or auditory neuropathy spectrum disorder, and was absent from large population studies. This variant is predicted to cause a frameshift, which alters the proteinâ€™s amino acid sequence beginning at position 280 and leads to a premature termination codon 9 amino acids downstream. This alteration is then predicted to lead to a truncated or absent protein. Loss of function of the OTOF gene is an established disease mechanism in autosomal recessive auditory neuropathy spectrum disorder. In summary, although additional studies are required to fully establish its clinical significance, this variant meets criteria to be classified as likely pathogenic for autosomal recessive auditory neuropathy spectrum disorder. ACMG/AMP Criteria applied: PVS1, PM2.

Literature cited by the submitters: PubMed 18381613 (cited by Labcorp Genetics (formerly Invitae), Labcorp); PubMed 19250381 (cited by Labcorp Genetics (formerly Invitae), Labcorp); PubMed 22575033 (cited by Labcorp Genetics (formerly Invitae), Labcorp).

NM_194248.3(OTOF):c.839del (p.Gly280fs)

Gene: OTOF (otoferlin; minus strand). Cytogenetic location: 2p23.3.
Variant type: Deletion.
Coding change: c.839del on transcript NM_194248.3 (MANE Select); coding-DNA position 839, one base deleted (G; older notation c.839delG).
Protein change: p.Gly280fs; shifts the reading frame from glycine 280.
Molecular consequence: frameshift variant.
Genome position (GRCh38, 1-based): chr2:26,495,000, C deleted on the plus strand (G on the coding strand, the reverse complement: OTOF is on the minus strand); the first of 3 consecutive C bases (chr2:26,495,000-26,495,002); deleting any one gives the same sequence. VCF-style (leftmost placement, unchanged base first): chr2-26494999-AC-A. GRCh37 (hg19) VCF-style: chr2-26717867-AC-A.
Other names: c.839del, p.Gly280fs (NM_001287489.2); short protein forms G280fs.
Identifiers: ClinVar variation 929941 (VCV000929941.6), dbSNP rs1665944825, ClinGen allele CA1139656781.
Genomic context (GRCh38, chr2:26,494,999, plus strand): 5'-GACCTCGTTGTAATAGGGGCAGTTAGTGGACTCCTTCATGGATGTGTACTTCTTGTCGTC[AC>A]CCACCTCCACGCACACCACAGGGTCCATGTTCAAGCCCACCAGCTGCCGGGCCTCGATCA-3'